The following is an entry in ClinVar:

NM_001199138.2(NLRC4):c.1232A>C (p.Gln411Pro)

Gene: NLRC4 (NLR family CARD domain containing 4; minus strand). Cytogenetic location: 2p22.3.
Variant type: single nucleotide variant.
Coding change: c.1232A>C on transcript NM_001199138.2 (MANE Select); coding-DNA position 1232, A replaced by C.
Protein change: p.Gln411Pro; replaces glutamine 411 with proline.
Molecular consequence: missense variant. On other transcripts: intron variant (1).
Genome position (GRCh38, 1-based): chr2:32,250,632, T>G on the plus strand (A>C on the coding strand, the complement: NLRC4 is on the minus strand). VCF-style: chr2-32250632-T-G. GRCh37 (hg19) VCF-style: chr2-32475701-T-G.
Other names: c.1232A>C, p.Gln411Pro (NM_001199139.2, NM_021209.5); c.262+1787A>C (NM_001302504.1); short protein forms Q411P.
Identifiers: ClinVar variation 2051310 (VCV002051310.4), dbSNP rs1368883968, ClinGen allele CA346513059.

ClinVar aggregate classification (germline): Uncertain significance (1 of 4 stars; one submission).

Conditions:
Periodic fever-infantile enterocolitis-autoinflammatory syndrome. Also called: Autoinflammation with infantile enterocolitis. Identifiers: Orphanet 436166, MedGen C4015067, MONDO:0014472, OMIM 616050.
Familial cold autoinflammatory syndrome 4 (FCAS4). Identifiers: Orphanet 47045, Orphanet 576349, MedGen C4015276, MONDO:0014498, OMIM 616115.

Allele frequency attached by ClinVar (database versions not stated): TOPMed below 0.00001; gnomAD exomes 0.00001.
gnomAD v4.1: 16 of 1,614,196 alleles (0.00099%); highest among the groups gnomAD compares: Non-Finnish European, 0.0014%; no homozygotes.

Submission:

Labcorp Genetics (formerly Invitae), Labcorp
Classification: Uncertain significance for Periodic fever-infantile enterocolitis-autoinflammatory syndrome; Familial cold autoinflammatory syndrome 4. Last evaluated: 2022-08-21. Review status: criteria provided, single submitter. Criteria: Invitae Variant Classification Sherloc (09022015). Collection method: clinical testing. Allele origin: germline.
Comment: This sequence change replaces glutamine, which is neutral and polar, with proline, which is neutral and non-polar, at codon 411 of the NLRC4 protein (p.Gln411Pro). This variant is present in population databases (no rsID available, gnomAD 0.002%). In summary, the available evidence is currently insufficient to determine the role of this variant in disease. Therefore, it has been classified as a Variant of Uncertain Significance. Algorithms developed to predict the effect of missense changes on protein structure and function are either unavailable or do not agree on the potential impact of this missense change (SIFT: "Deleterious"; PolyPhen-2: "Benign"; Align-GVGD: "Class C0"). This variant has not been reported in the literature in individuals affected with NLRC4-related conditions.